The following is an entry in ClinVar:

ClinVar aggregate classification (germline): Likely benign. Review status: criteria provided, multiple submitters, no conflicts (2 of 4 stars). 2 submissions from 2 submitters: Likely benign (2). Last evaluated 2025-09-05.

Submissions (2):

Women's Health and Genetics/Laboratory Corporation of America, LabCorp
Classification: Likely benign. Last evaluated: 2025-09-05. Review status: criteria provided, single submitter. Criteria: LabCorp Variant Classification Summary - May 2015. Collection method: clinical testing. Allele origin: germline.
Comment: Variant summary: DDX11 c.1242+16delC alters a non-conserved nucleotide located at a position not widely known to affect splicing. Consensus agreement among computation tools predict no significant impact on normal splicing. However, these predictions have yet to be confirmed by functional studies. The frequency data for this variant in gnomAD is considered unreliable, as metrics indicate poor data quality at this position. To our knowledge, no occurrence of c.1242+16delC in individuals affected with DDX11-related conditions and no experimental evidence demonstrating its impact on protein function have been reported. No submitters have cited clinical-significance assessments for this variant to ClinVar. Based on the evidence outlined above, the variant was classified as likely benign.

Blueprint Genetics
Classification: Likely benign. Last evaluated: 2024-11-12. Review status: criteria provided, single submitter. Criteria: ACMG Guidelines, 2015. Collection method: clinical testing. Allele origin: germline.

NM_030653.4(DDX11):c.1242+16del

Gene: DDX11 (DEAD/H-box helicase 11; plus strand). Cytogenetic location: 12p11.21.
Variant type: Deletion.
Coding change: c.1242+16del on transcript NM_030653.4 (MANE Select); 16 bases into the intron after coding-DNA position 1242, one base deleted (C; older notation c.1242+16delC).
Molecular consequence: intron variant.
Genome position (GRCh38, 1-based): chr12:31,091,887, C deleted; the last of 4 consecutive C bases (chr12:31,091,884-31,091,887); deleting any one gives the same sequence. VCF-style (leftmost placement, unchanged base first): chr12-31091883-TC-T. GRCh37 (hg19) VCF-style: chr12-31244817-TC-T.
Other names: c.1242+16del (NM_001413693.1, NM_152438.2, NM_004399.3 and 5 more transcripts); c.381+16del (NM_001413705.1, NM_001413704.1); c.276+16del (NM_001413706.1); c.1155+16del (NM_001413700.1); c.714+16del (NM_001413702.1, NM_001413703.1); c.1164+16del (NM_001413697.1, NM_001413699.1, NM_001257145.2 and 1 more transcripts); c.1242+16delC (NM_030653.4).
Identifiers: ClinVar variation 4535692 (VCV004535692.2).